The following is an entry in ClinVar:

NM_000203.5(IDUA):c.299+3558C>T

Genes: IDUA (alpha-L-iduronidase; plus strand), SLC26A1 (solute carrier family 26 member 1; minus strand). Cytogenetic location: 4p16.3.
Variant type: single nucleotide variant.
Coding change: c.299+3558C>T on transcript NM_000203.5 (MANE Select); 3558 bases into the intron after coding-DNA position 299, C replaced by T.
Molecular consequence: intron variant. On other transcripts: missense variant (3).
Genome position (GRCh38, 1-based): chr4:991,507, C>T. VCF-style: chr4-991507-C-T. GRCh37 (hg19) VCF-style: chr4-985295-C-T.
Other names: c.197G>A (NM_022042.3); c.197G>A, p.Arg66Gln (NM_022042.4, NM_134425.4, NM_213613.4); short protein forms R66Q.
Identifiers: ClinVar variation 1305202 (VCV001305202.12), dbSNP rs201219683, ClinGen allele CA2801744.

ClinVar aggregate classification (germline): Conflicting classifications of pathogenicity. Review status: criteria provided, conflicting classifications (1 of 4 stars). 7 submissions from 7 submitters: Uncertain significance (4); Likely benign (2). 1 of the submissions does not count toward it. Last evaluated 2025-10-03.

Conditions:
Nephrolithiasis susceptibility caused by SLC26A1 (CAON1). Also called: NEPHROLITHIASIS, CALCIUM OXALATE, 1. Identifiers: MedGen C5779632, MONDO:0020722, OMIM 167030.
SLC26A1-related disorder. Also called: SLC26A1-related condition.
Inborn genetic diseases. Identifiers: MedGen C0950123, MeSH D030342.

Allele frequency attached by ClinVar (database versions not stated): TOPMed 0.00012; ESP Exome Variant Server 0.00015; gnomAD exomes 0.00015 and 0.00029; 1000 Genomes Project 30x 0.00016; gnomAD 0.00017 and 0.00018; 1000 Genomes Project 0.00020; ExAC 0.00031.
gnomAD v4.1: 272 of 1,609,658 alleles (0.017%); highest among the groups gnomAD compares: Non-Finnish European, 0.0063%; no homozygotes.

Submissions (7):

Rare Kidney Stone Consortium and the Mayo Clinic Hyperoxaluria Center, Mayo Clinic
Classification: Uncertain significance for Nephrolithiasis susceptibility caused by SLC26A1. Last evaluated: 2025-10-03. Review status: criteria provided, single submitter. Criteria: ACMG Guidelines, 2015. Collection method: research. Allele origin: germline. Observed: 1 variant allele.
Comment: ACMG:PM1, PP3

Labcorp Genetics (formerly Invitae), Labcorp
Classification: Likely benign. Last evaluated: 2024-11-28. Review status: criteria provided, single submitter. Criteria: Invitae Variant Classification Sherloc (09022015). Collection method: clinical testing. Allele origin: germline.

Blueprint Genetics
Classification: Uncertain significance. Last evaluated: 2024-11-15. Review status: criteria provided, single submitter. Criteria: ACMG Guidelines, 2015. Collection method: clinical testing. Allele origin: germline.

PreventionGenetics, part of Exact Sciences
Classification: Likely benign for SLC26A1-related condition. Last evaluated: 2024-11-15. Review status: criteria provided, single submitter. Criteria: ACMG Guidelines, 2015. Collection method: clinical testing. Allele origin: germline.
Comment: This variant is classified as likely benign based on ACMG/AMP sequence variant interpretation guidelines (Richards et al. 2015 PMID: 25741868, with internal and published modifications).

Ambry Genetics
Classification: Uncertain significance for Inborn genetic diseases. Last evaluated: 2022-08-03. Review status: criteria provided, single submitter. Criteria: Ambry Variant Classification Scheme 2023. Collection method: clinical testing. Allele origin: germline.

GeneDx
Classification: Uncertain significance. Last evaluated: 2019-04-30. Review status: criteria provided, single submitter. Criteria: GeneDx Variant Classification Process June 2021. Collection method: clinical testing. Allele origin: germline. Affected: yes.
Comment: In silico analysis, which includes protein predictors and evolutionary conservation, supports that this variant does not alter protein structure/function; Has not been previously published as pathogenic or benign to our knowledge; Variants in candidate genes are classified as variants of uncertain significance in accordance with ACMG guidelines (Richards et al., 2015)

Chinese Inherited Urolithiasis Consortium, The Affiliated Yantai Yuhuangding Hospital of Qingdao University
Classification: Likely pathogenic for Nephrolithiasis susceptibility caused by SLC26A1. Last evaluated: 2024-08-26. Review status: no assertion criteria provided. Collection method: clinical testing. Allele origin: paternal. Affected: yes. Observed: 1 variant allele. Not counted in ClinVar's aggregate classification.

Literature cited by the submitters: PubMed 40794449 (cited by Rare Kidney Stone Consortium and the Mayo Clinic Hyperoxaluria Center, Mayo Clinic).